The following is an entry in ClinVar:

ClinVar aggregate classification (germline): Uncertain significance. Review status: criteria provided, multiple submitters, no conflicts (2 of 4 stars). 3 submissions from 3 submitters: Uncertain significance (3). Last evaluated 2025-06-29.

Conditions:
Hereditary cancer-predisposing syndrome. Also called: Hereditary neoplastic syndrome; Neoplastic Syndromes, Hereditary; Hereditary Cancer Syndrome; Tumor predisposition. Identifiers: Orphanet 140162, MedGen C0027672, MeSH D009386, MONDO:0015356.

Submissions (3):

Ambry Genetics
Classification: Uncertain significance for Hereditary cancer-predisposing syndrome. Last evaluated: 2025-06-29. Review status: criteria provided, single submitter. Criteria: Ambry Variant Classification Scheme 2023. Collection method: clinical testing. Allele origin: germline.
Comment: The p.D1328N variant (also known as c.3982G>A), located in coding exon 31 of the POLE gene, results from a G to A substitution at nucleotide position 3982. The aspartic acid at codon 1328 is replaced by asparagine, an amino acid with highly similar properties. This amino acid position is conserved. In addition, this alteration is predicted to be tolerated by in silico analysis. Based on the available evidence, the clinical significance of this variant remains unclear.

GeneDx
Classification: Uncertain significance. Last evaluated: 2024-02-16. Review status: criteria provided, single submitter. Criteria: GeneDx Variant Classification Process June 2021. Collection method: clinical testing. Allele origin: germline. Affected: yes.
Comment: Not observed at significant frequency in large population cohorts (gnomAD); In silico analysis supports that this missense variant does not alter protein structure/function; Has not been previously published as pathogenic or benign to our knowledge

Labcorp Genetics (formerly Invitae), Labcorp
Classification: Uncertain significance. Last evaluated: 2021-12-24. Review status: criteria provided, single submitter. Criteria: Invitae Variant Classification Sherloc (09022015). Collection method: clinical testing. Allele origin: germline.
Comment: This sequence change replaces aspartic acid, which is acidic and polar, with asparagine, which is neutral and polar, at codon 1328 of the POLE protein (p.Asp1328Asn). This variant is not present in population databases (gnomAD no frequency). This variant has not been reported in the literature in individuals affected with POLE-related conditions. Algorithms developed to predict the effect of missense changes on protein structure and function (SIFT, PolyPhen-2, Align-GVGD) all suggest that this variant is likely to be tolerated. In summary, the available evidence is currently insufficient to determine the role of this variant in disease. Therefore, it has been classified as a Variant of Uncertain Significance.

NM_006231.4(POLE):c.3982G>A (p.Asp1328Asn)

Gene: POLE (DNA polymerase epsilon, catalytic subunit; minus strand). Cytogenetic location: 12q24.33.
Variant type: single nucleotide variant.
Coding change: c.3982G>A on transcript NM_006231.4 (MANE Select); coding-DNA position 3982, G replaced by A.
Protein change: p.Asp1328Asn; replaces aspartic acid 1328 with asparagine.
Molecular consequence: missense variant.
Genome position (GRCh38, 1-based): chr12:132,649,329, C>T on the plus strand (G>A on the coding strand, the complement: POLE is on the minus strand). VCF-style: chr12-132649329-C-T. GRCh37 (hg19) VCF-style: chr12-133225915-C-T.
Other names: c.3982G>A (NM_006231.2); short protein forms D1328N.
Identifiers: ClinVar variation 2193983 (VCV002193983.6), dbSNP rs2138605279, ClinGen allele CA387384734.
Genomic context (GRCh38, chr12:132,649,329, plus strand): 5'-CAGAGCCACTGCCCTCCCCTTGGATCAAGGTCTATACCTGCACAATCTGCCACGGAAGGT[C>T]CAGGATGCTGCGGGCAGTTCTTCGCAAGAAGCTCCCCAGCCCCGTGGCAGGACCATCCCG-3'
Protein context (NP_006222.2, residues 1318-1338): FLRRTARSIL[Asp1328Asn]LPWQIVQISE